The following is an entry in ClinVar:

ClinVar aggregate classification (germline): Uncertain significance (1 of 4 stars; one submission).

Submission:

Ambry Genetics
Classification: Uncertain significance. Last evaluated: 2026-01-18. Review status: criteria provided, single submitter. Criteria: Ambry Variant Classification Scheme 2023. Collection method: clinical testing. Allele origin: germline.
Comment: The p.E175D variant (also known as c.525A>C), located in coding exon 1 of the TET2 gene, results from an A to C substitution at nucleotide position 525. The glutamic acid at codon 175 is replaced by aspartic acid, an amino acid with highly similar properties. This amino acid position is conserved. In addition, this alteration is predicted to be tolerated by in silico analysis. Based on the available evidence, the clinical significance of this variant remains unclear.

NM_001127208.3(TET2):c.525A>C (p.Glu175Asp)

Genes: TET2-AS1 (TET2 antisense RNA 1; minus strand), TET2 (tet methylcytosine dioxygenase 2; plus strand). Cytogenetic location: 4q24.
Variant type: single nucleotide variant.
Coding change: c.525A>C on transcript NM_001127208.3 (MANE Select); coding-DNA position 525, A replaced by C.
Protein change: p.Glu175Asp; replaces glutamic acid 175 with aspartic acid.
Molecular consequence: missense variant.
Genome position (GRCh38, 1-based): chr4:105,234,467, A>C. VCF-style: chr4-105234467-A-C. GRCh37 (hg19) VCF-style: chr4-106155624-A-C.
Other names: c.525A>C, p.Glu175Asp (NM_017628.4); short protein forms E175D.
Identifiers: ClinVar variation 4824995 (VCV004824995.1).
Genomic context (GRCh38, chr4:105,234,467, plus strand): 5'-CCAAGAAAATGCAGTTAAAGATTTCACCAGTTTTTCAACACATAACTGCAGTGGGCCTGA[A>C]AATCCAGAGCTTCAGATTCTGAATGAGCAGGAGGGGAAAAGTGCTAATTACCATGACAAG-3'
Protein context (NP_001120680.1, residues 165-185): SFSTHNCSGP[Glu175Asp]NPELQILNEQ